The following is an entry in ClinVar:

ClinVar aggregate classification (germline): Likely pathogenic (1 of 4 stars; one submission).

Conditions:
Autosomal recessive limb-girdle muscular dystrophy type 2J (LGMDR10). Also called: Limb-girdle muscular dystrophy, type 2J; MUSCULAR DYSTROPHY, LIMB-GIRDLE, AUTOSOMAL RECESSIVE 10. Identifiers: Orphanet 140922, MedGen C1837342, MONDO:0012127, OMIM 608807.
Dilated cardiomyopathy 1G (CMD1G). Identifiers: Orphanet 154, MedGen C1858763, MONDO:0011400, OMIM 604145.

Submission:

Labcorp Genetics (formerly Invitae), Labcorp
Classification: Likely pathogenic for Dilated cardiomyopathy 1G; Autosomal recessive limb-girdle muscular dystrophy type 2J. Last evaluated: 2024-09-06. Review status: criteria provided, single submitter. Criteria: Invitae Variant Classification Sherloc (09022015). Collection method: clinical testing. Allele origin: germline.
Comment: This sequence change creates a premature translational stop signal (p.Gln26263*) in the TTN gene. While this is not anticipated to result in nonsense mediated decay, it is expected to create a truncated TTN protein. This variant is not present in population databases (gnomAD no frequency). This premature translational stop signal has been observed in individual(s) with cardiomyopathy (internal data). This variant is located in the A band of TTN (PMID: 25589632). Truncating variants in this region are significantly overrepresented in patients affected with dilated cardiomyopathy (PMID: 25589632). Truncating variants in this region have also been reported in individuals affected with autosomal recessive centronuclear myopathy (PMID: 23975875). In summary, the currently available evidence indicates that the variant is pathogenic, but additional data are needed to prove that conclusively. Therefore, this variant has been classified as Likely Pathogenic.

Literature cited by the submitters: PubMed 25589632; PubMed 23975875.

NM_001267550.2(TTN):c.78787C>T (p.Gln26263Ter)

Genes: TTN-AS1 (TTN antisense RNA 1; plus strand), TTN (titin; minus strand). Cytogenetic location: 2q31.2.
Variant type: single nucleotide variant.
Coding change: c.78787C>T on transcript NM_001267550.2 (MANE Select); coding-DNA position 78787, C replaced by T.
Protein change: p.Gln26263Ter; replaces glutamine 26263 with a stop codon.
Molecular consequence: nonsense.
Genome position (GRCh38, 1-based): chr2:178,567,345, G>A on the plus strand (C>T on the coding strand, the complement: TTN is on the minus strand). VCF-style: chr2-178567345-G-A. GRCh37 (hg19) VCF-style: chr2-179432072-G-A.
Other names: c.73864C>T, p.Gln24622Ter (NM_001256850.1); c.51592C>T, p.Gln17198Ter (NM_003319.4); c.71083C>T, p.Gln23695Ter (NM_133378.4); c.51967C>T, p.Gln17323Ter (NM_133432.3); c.52168C>T, p.Gln17390Ter (NM_133437.4); short protein forms Q17198*, Q17323*, Q17390*, Q23695*, Q24622*, Q26263*.
Identifiers: ClinVar variation 3752668 (VCV003752668.2).